The following is an entry in ClinVar:

NM_004364.5(CEBPA):c.652A>C (p.Met218Leu)

Gene: CEBPA (CCAAT enhancer binding protein alpha; minus strand). Cytogenetic location: 19q13.11.
Variant type: single nucleotide variant.
Coding change: c.652A>C on transcript NM_004364.5 (MANE Select); coding-DNA position 652, A replaced by C.
Protein change: p.Met218Leu; replaces methionine 218 with leucine.
Molecular consequence: missense variant.
Genome position (GRCh38, 1-based): chr19:33,301,763, T>G on the plus strand (A>C on the coding strand, the complement: CEBPA is on the minus strand). VCF-style: chr19-33301763-T-G. GRCh37 (hg19) VCF-style: chr19-33792669-T-G.
Other names: c.295A>C, p.Met99Leu (NM_001285829.2); c.757A>C, p.Met253Leu (NM_001287424.2); c.610A>C, p.Met204Leu (NM_001287435.2); short protein forms M218L, M253L, M204L, M99L.
Identifiers: ClinVar variation 2104961 (VCV002104961.4), dbSNP rs1378898437, ClinGen allele CA405274492.

ClinVar aggregate classification (germline): Uncertain significance (1 of 4 stars; one submission).

Conditions:
Acute myeloid leukemia (AML). Also called: Acute myeloid leukemia, adult; AML adult; Acute non-lymphocytic leukemia; Acute granulocytic leukemia; Leukemia, acute myeloid, somatic; Leukemia, acute myelogenous, somatic. Identifiers: Orphanet 519, MedGen C0023467, MeSH D015470, MONDO:0018874, OMIM 601626, HP:0004808. Disease mechanism: Constitutively activated FLT3.

Submission:

Labcorp Genetics (formerly Invitae), Labcorp
Classification: Uncertain significance for Acute myeloid leukemia. Last evaluated: 2022-03-07. Review status: criteria provided, single submitter. Criteria: Invitae Variant Classification Sherloc (09022015). Collection method: clinical testing. Allele origin: germline.
Comment: In summary, the available evidence is currently insufficient to determine the role of this variant in disease. Therefore, it has been classified as a Variant of Uncertain Significance. Algorithms developed to predict the effect of missense changes on protein structure and function (SIFT, PolyPhen-2, Align-GVGD) all suggest that this variant is likely to be tolerated. This variant has not been reported in the literature in individuals affected with CEBPA-related conditions. This sequence change replaces methionine, which is neutral and non-polar, with leucine, which is neutral and non-polar, at codon 218 of the CEBPA protein (p.Met218Leu). The frequency data for this variant in the population databases is considered unreliable, as metrics indicate insufficient coverage at this position in the gnomAD database.